The following is an entry in ClinVar:

NM_024926.4(IFT56):c.634C>A (p.Leu212Ile)

Gene: IFT56 (intraflagellar transport 56; plus strand). Cytogenetic location: 7q34.
Variant type: single nucleotide variant.
Coding change: c.634C>A on transcript NM_024926.4 (MANE Select); coding-DNA position 634, C replaced by A.
Protein change: p.Leu212Ile; replaces leucine 212 with isoleucine.
Molecular consequence: missense variant. On other transcripts: intron variant (2).
Genome position (GRCh38, 1-based): chr7:139,148,294, C>A. VCF-style: chr7-139148294-C-A. GRCh37 (hg19) VCF-style: chr7-138833040-C-A.
Other names: c.634C>A, p.Leu212Ile (NM_001144920.3, NM_001321740.2, NM_001321742.2); c.541C>A, p.Leu181Ile (NM_001144923.3); c.319C>A, p.Leu107Ile (NM_001287513.2); c.214C>A, p.Leu72Ile (NM_001318333.2); c.399+5989C>A (NM_001321741.2, NM_001287512.2); short protein forms L107I, L181I, L212I, L72I.
Identifiers: ClinVar variation 4854379 (VCV004854379.1).

ClinVar aggregate classification (germline): Uncertain significance (1 of 4 stars; one submission).

Conditions:
Biliary, renal, neurologic, and skeletal syndrome (BRENS). Also called: BRENS SYNDROME. Identifiers: MedGen C5561990, MONDO:0859191, OMIM 619534.

Submission:

3billion
Classification: Uncertain significance for Biliary, renal, neurologic, and skeletal syndrome. Last evaluated: 2025-11-07. Review status: criteria provided, single submitter. Criteria: ACMG Guidelines, 2015. Collection method: clinical testing. Allele origin: germline. Affected: yes.
Comment: The variant is not observed in the gnomAD v4.1.0 dataset. Predicted Consequence/Location: Missense variant Damaging effect on gene or gene product predicted by in silico programs is uncertain [REVEL: 0.49 (damaging >=0.6, benign <0.4), 3Cnet: 0.58 (damaging >0.75, benign <0.1)]. Therefore, this variant is classified as VUS according to the recommendation of ACMG/AMP guideline.